The following is an entry in ClinVar:

ClinVar aggregate classification (germline): Uncertain significance (1 of 4 stars; one submission).

Submission:

GeneDx
Classification: Uncertain significance. Last evaluated: 2024-03-27. Review status: criteria provided, single submitter. Criteria: GeneDx Variant Classification Process June 2021. Collection method: clinical testing. Allele origin: germline. Affected: yes.
Comment: Not observed at significant frequency in large population cohorts (gnomAD); In silico analysis supports that this missense variant does not alter protein structure/function; Has not been previously published as pathogenic or benign to our knowledge

NM_003632.3(CNTNAP1):c.1289A>G (p.Lys430Arg)

Gene: CNTNAP1 (contactin associated protein 1; plus strand). Cytogenetic location: 17q21.2.
Variant type: single nucleotide variant.
Coding change: c.1289A>G on transcript NM_003632.3 (MANE Select); coding-DNA position 1289, A replaced by G.
Protein change: p.Lys430Arg; replaces lysine 430 with arginine.
Molecular consequence: missense variant.
Genome position (GRCh38, 1-based): chr17:42,687,964, A>G. VCF-style: chr17-42687964-A-G. GRCh37 (hg19) VCF-style: chr17-40839982-A-G.
Other names: short protein forms K430R.
Identifiers: ClinVar variation 3371558 (VCV003371558.1).